The following is an entry in ClinVar:

ClinVar aggregate classification (germline): Uncertain significance (1 of 4 stars; one submission).

Conditions:
Cardiovascular phenotype. Identifiers: MedGen CN230736.

Submission:

Ambry Genetics
Classification: Uncertain significance for Cardiovascular phenotype. Last evaluated: 2025-09-17. Review status: criteria provided, single submitter. Criteria: Ambry Variant Classification Scheme 2023. Collection method: clinical testing. Allele origin: germline.
Comment: The p.E85A variant (also known as c.254A>C), located in coding exon 2 of the TBX1 gene, results from an A to C substitution at nucleotide position 254. The glutamic acid at codon 85 is replaced by alanine, an amino acid with dissimilar properties. This amino acid position is conserved. In addition, this alteration is predicted to be tolerated by in silico analysis. Based on the available evidence, the clinical significance of this variant remains unclear.

NM_001379200.1(TBX1):c.281A>C (p.Glu94Ala)

Gene: TBX1 (T-box transcription factor 1; plus strand). Cytogenetic location: 22q11.21.
Variant type: single nucleotide variant.
Coding change: c.281A>C on transcript NM_001379200.1 (MANE Select); coding-DNA position 281, A replaced by C.
Protein change: p.Glu94Ala; replaces glutamic acid 94 with alanine.
Molecular consequence: missense variant.
Genome position (GRCh38, 1-based): chr22:19,761,124, A>C. VCF-style: chr22-19761124-A-C. GRCh37 (hg19) VCF-style: chr22-19748647-A-C.
Other names: c.254A>C, p.Glu85Ala (NM_005992.1, NM_080646.2, NM_080647.1); short protein forms E85A, E94A.
Identifiers: ClinVar variation 4615054 (VCV004615054.1).